The following is an entry in ClinVar:

NM_001289808.2(CRYAB):c.265C>T (p.Leu89Phe)

Gene: CRYAB (crystallin alpha B; minus strand). Cytogenetic location: 11q23.1.
Variant type: single nucleotide variant.
Coding change: c.265C>T on transcript NM_001289808.2 (MANE Select); coding-DNA position 265, C replaced by T.
Protein change: p.Leu89Phe; replaces leucine 89 with phenylalanine.
Molecular consequence: missense variant.
Genome position (GRCh38, 1-based): chr11:111,910,386, G>A on the plus strand (C>T on the coding strand, the complement: CRYAB is on the minus strand). VCF-style: chr11-111910386-G-A. GRCh37 (hg19) VCF-style: chr11-111781110-G-A.
Other names: c.265C>T, p.Leu89Phe (NM_001289807.1, NM_001368245.1, NM_001885.3); c.64C>T, p.Leu22Phe (NM_001330379.1, NM_001368246.1); short protein forms L89F, L22F.
Identifiers: ClinVar variation 179302 (VCV000179302.4), dbSNP rs797044515, ClinGen allele CA184155.

ClinVar aggregate classification (germline): Uncertain significance (1 of 4 stars; one submission).

Submission:

Laboratory for Molecular Medicine, Mass General Brigham Personalized Medicine
Classification: Uncertain significance. Last evaluated: 2013-09-26. Review status: criteria provided, single submitter. Criteria: LMM Criteria. Collection method: clinical testing. Allele origin: germline. Observed: 1 variant allele.
Comment: The Leu89Phe variant in CRYAB has not been previously reported in individuals wi th cardiomyopathy or in larger population studies. Computational analyses (bioch emical amino acid properties, conservation, AlignGVGD, PolyPhen2, and SIFT) do n ot provide strong support for or against an impact to the normal function of the protein. Additional information is needed to fully assess the clinical signific ance of this variant.